The following is an entry in ClinVar:

NM_001367624.2(ZNF469):c.5749G>T (p.Asp1917Tyr)

Gene: ZNF469 (zinc finger protein 469; plus strand). Cytogenetic location: 16q24.2.
Variant type: single nucleotide variant.
Coding change: c.5749G>T on transcript NM_001367624.2 (MANE Select); coding-DNA position 5749, G replaced by T.
Protein change: p.Asp1917Tyr; replaces aspartic acid 1917 with tyrosine.
Molecular consequence: missense variant.
Genome position (GRCh38, 1-based): chr16:88,433,219, G>T. VCF-style: chr16-88433219-G-T. GRCh37 (hg19) VCF-style: chr16-88499627-G-T.
Other names: NM_001127464.1:c.5665G>T; short protein forms D1917Y.
Identifiers: ClinVar variation 1748935 (VCV001748935.2), dbSNP rs1473803260, ClinGen allele CA397102147.

ClinVar aggregate classification (germline): Uncertain significance (1 of 4 stars; one submission).

Conditions:
Cardiovascular phenotype. Identifiers: MedGen CN230736.

gnomAD v4.1: 3 of 1,550,166 alleles (0.00019%); highest among the groups gnomAD compares: Non-Finnish European, 0.00026%; no homozygotes.

Submission:

Ambry Genetics
Classification: Uncertain significance for Cardiovascular phenotype. Last evaluated: 2022-04-21. Review status: criteria provided, single submitter. Criteria: Ambry Variant Classification Scheme 2023. Collection method: clinical testing. Allele origin: germline.
Comment: The p.D1889Y variant (also known as c.5665G>T), located in coding exon 2 of the ZNF469 gene, results from a G to T substitution at nucleotide position 5665. The aspartic acid at codon 1889 is replaced by tyrosine, an amino acid with highly dissimilar properties. This amino acid position is conserved. In addition, this alteration is predicted to be tolerated by in silico analysis. Since supporting evidence is limited at this time, the clinical significance of this alteration remains unclear.